The following is an entry in ClinVar:

ClinVar aggregate classification (germline): Uncertain significance (1 of 4 stars; one submission).

Submission:

Labcorp Genetics (formerly Invitae), Labcorp
Classification: Uncertain significance. Last evaluated: 2025-08-24. Review status: criteria provided, single submitter. Criteria: Invitae Variant Classification Sherloc (09022015). Collection method: clinical testing. Allele origin: germline.
Comment: This sequence change replaces valine, which is neutral and non-polar, with leucine, which is neutral and non-polar, at codon 1348 of the PLXNA2 protein (p.Val1348Leu). This variant is not present in population databases (gnomAD no frequency). This variant has not been reported in the literature in individuals affected with PLXNA2-related conditions. Invitae Evidence Modeling of protein sequence and biophysical properties (such as structural, functional, and spatial information, amino acid conservation, physicochemical variation, residue mobility, and thermodynamic stability) indicates that this missense variant is not expected to disrupt PLXNA2 protein function with a negative predictive value of 80%. In summary, the available evidence is currently insufficient to determine the role of this variant in disease. Therefore, it has been classified as a Variant of Uncertain Significance.

NM_025179.4(PLXNA2):c.4042G>C (p.Val1348Leu)

Gene: PLXNA2 (plexin A2; minus strand). Cytogenetic location: 1q32.2.
Variant type: single nucleotide variant.
Coding change: c.4042G>C on transcript NM_025179.4 (MANE Select); coding-DNA position 4042, G replaced by C.
Protein change: p.Val1348Leu; replaces valine 1348 with leucine.
Molecular consequence: missense variant.
Genome position (GRCh38, 1-based): chr1:208,042,342, C>G on the plus strand (G>C on the coding strand, the complement: PLXNA2 is on the minus strand). VCF-style: chr1-208042342-C-G. GRCh37 (hg19) VCF-style: chr1-208215687-C-G.
Other names: short protein forms V1348L.
Identifiers: ClinVar variation 4766388 (VCV004766388.1).
Genomic context (GRCh38, chr1:208,042,342, plus strand): 5'-AGGTCAGCAGGAACACCTTGTTGTTGATGAGCTGGGCAAAGAGCTTCAGGGCCTTCTCCA[C>G]GTGCTGCTGCCCGTTTCCTTGTACCTGGGGTGGGGTGTGGTGGAGGCGACGCCCTCAGAG-3'
Protein context (NP_079455.3, residues 1338-1358): LEVQGNGQQH[Val1348Leu]EKALKLFAQL